The following is an entry in ClinVar:

ClinVar aggregate classification (germline): Pathogenic. Review status: criteria provided, multiple submitters, no conflicts (2 of 4 stars). 3 submissions from 3 submitters: Pathogenic (3). Last evaluated 2026-09-16.

Conditions:
Phelan-McDermid syndrome. Also called: TELOMERIC 22q13 MONOSOMY SYNDROME; 22q13.3 deletion syndrome; Phelan-McDermid Syndrome-SHANK3 Related. Identifiers: Orphanet 48652, MedGen C1853490, MONDO:0011652, OMIM 606232.

Allele frequency attached by ClinVar (database versions not stated): gnomAD exomes below 0.00001.

Submissions (3):

GeneDx
Classification: Pathogenic. Last evaluated: 2026-09-16. Review status: criteria provided, single submitter. Criteria: GeneDx Variant Classification Process June 2021. Collection method: clinical testing. Allele origin: germline.
Comment: Nonsense variant predicted to result in protein truncation or nonsense mediated decay in a gene for which loss of function is a known mechanism of disease; Not observed at significant frequency in large population cohorts (gnomAD); Has not been previously published as pathogenic or benign to our knowledge

MVZ Martinsried, Medicover Genetics
Classification: Pathogenic for Phelan-McDermid syndrome. Last evaluated: 2022-05-10. Review status: criteria provided, single submitter. Criteria: ACGS Guidelines, 2020. Collection method: clinical testing. Allele origin: de novo. Affected: yes.

Clinical Genetics Service, Universitary Hospital 12 de Octubre
Classification: Pathogenic for Phelan-McDermid syndrome. Review status: criteria provided, single submitter. Criteria: ACMG Guidelines, 2015. Collection method: clinical testing. Allele origin: de novo. Affected: yes.

NM_001372044.2(SHANK3):c.1294C>T (p.Arg432Ter)

Gene: SHANK3 (SH3 and multiple ankyrin repeat domains 3; plus strand). Cytogenetic location: 22q13.33.
Variant type: single nucleotide variant.
Coding change: c.1294C>T on transcript NM_001372044.2 (MANE Select); coding-DNA position 1294, C replaced by T.
Protein change: p.Arg432Ter; replaces arginine 432 with a stop codon.
Molecular consequence: nonsense.
Genome position (GRCh38, 1-based): chr22:50,694,813, C>T. VCF-style: chr22-50694813-C-T. GRCh37 (hg19) VCF-style: chr22-51133241-C-T.
Other names: c.1069C>T, p.Arg357Ter (NM_033517.1); short protein forms R357*, R432*.
Identifiers: ClinVar variation 1992349 (VCV001992349.4), dbSNP rs2518393305, ClinGen allele CA515252231.
Genomic context (GRCh38, chr22:50,694,813, plus strand): 5'-TACCTATGCCCCCTTACCCCAGTACCATTCAGGGAAACCCCCAGCTATGCGAAGCGGCGG[C>T]GACTGGCTGGCCCCAGTGGCTTGGCATCCCCTCGGCCTCTGCAGCGCTCAGCCAGCGATA-3'